The following is an entry in ClinVar:

NM_014251.3(SLC25A13):c.1449C>A (p.Tyr483Ter)

Gene: SLC25A13 (solute carrier family 25 member 13; minus strand). Cytogenetic location: 7q21.3.
Variant type: single nucleotide variant.
Coding change: c.1449C>A on transcript NM_014251.3 (MANE Select); coding-DNA position 1449, C replaced by A.
Protein change: p.Tyr483Ter; replaces tyrosine 483 with a stop codon.
Molecular consequence: nonsense. On other transcripts: non-coding transcript variant (1).
Genome position (GRCh38, 1-based): chr7:96,146,559, G>T on the plus strand (C>A on the coding strand, the complement: SLC25A13 is on the minus strand). VCF-style: chr7-96146559-G-T. GRCh37 (hg19) VCF-style: chr7-95775871-G-T.
Other names: c.1452C>A, p.Tyr484Ter (NM_001160210.2); short protein forms Y484*, Y483*.
Identifiers: ClinVar variation 958810 (VCV000958810.7), dbSNP rs1792801432, ClinGen allele CA368255915.
Genomic context (GRCh38, chr7:96,146,559, plus strand): 5'-CTGCATTAGGAGATGAGAAAGTAATCAAATAAATGACTAAAAAAAAAAAAAAGTTACCTT[G>T]TAGATCCCAAAAAACCCCAGGTCCCGCACGACAGACAGAGCACTGACTCGAGGACCAGTG-3'

ClinVar aggregate classification (germline): Pathogenic (1 of 4 stars; one submission).

Conditions:
Citrin deficiency. Identifiers: Orphanet 247582, MedGen C1997910, MONDO:0016602.

Submission:

Labcorp Genetics (formerly Invitae), Labcorp
Classification: Pathogenic for Citrin deficiency. Last evaluated: 2019-10-26. Review status: criteria provided, single submitter. Criteria: Invitae Variant Classification Sherloc (09022015). Collection method: clinical testing. Allele origin: germline.
Comment: This sequence change creates a premature translational stop signal (p.Tyr483*) in the SLC25A13 gene. It is expected to result in an absent or disrupted protein product. This variant is not present in population databases (ExAC no frequency). This variant has not been reported in the literature in individuals with SLC25A13-related conditions. Loss-of-function variants in SLC25A13 are known to be pathogenic (PMID: 10369257, 14680984, 27405544). For these reasons, this variant has been classified as Pathogenic.

Literature cited by the submitters: PubMed 10369257; PubMed 14680984; PubMed 27405544.